The following is an entry in ClinVar:

NM_001458.5(FLNC):c.2652C>T (p.Val884=)

Gene: FLNC (filamin C; plus strand). Cytogenetic location: 7q32.1.
Variant type: single nucleotide variant.
Coding change: c.2652C>T on transcript NM_001458.5 (MANE Select); coding-DNA position 2652, C replaced by T.
Protein change: p.Val884=; no amino-acid change (valine 884 retained).
Molecular consequence: synonymous variant.
Genome position (GRCh38, 1-based): chr7:128,843,418, C>T. VCF-style: chr7-128843418-C-T. GRCh37 (hg19) VCF-style: chr7-128483472-C-T.
Other names: c.2652C>T, p.Val884= (NM_001127487.2).
Identifiers: ClinVar variation 1151368 (VCV001151368.18), dbSNP rs369714355, ClinGen allele CA4474813.

ClinVar aggregate classification (germline): Likely benign. Review status: criteria provided, multiple submitters, no conflicts (2 of 4 stars). 4 submissions from 4 submitters: Likely benign (3). 1 of the submissions does not count toward it. Last evaluated 2026-01-30.

Conditions:
Cardiovascular phenotype. Identifiers: MedGen CN230736.
FLNC-related disorder. Also called: FLNC-related condition; FLNC-related disorders.
Myofibrillar myopathy 5. Also called: Filaminopathy (type); FILAMINOPATHY, AUTOSOMAL DOMINANT. Identifiers: Orphanet 171445, MedGen C1836050, MONDO:0012289, OMIM 609524.
Hypertrophic cardiomyopathy 26. Also called: Cardiomyopathy, familial hypertrophic, 26. Identifiers: Orphanet 75249, MedGen C4310749, MONDO:0014883, OMIM 617047.
Distal myopathy with posterior leg and anterior hand involvement. Also called: WILLIAMS DISTAL MYOPATHY. Identifiers: Orphanet 63273, MedGen C3279722, MONDO:0013550, OMIM 614065.

Allele frequency attached by ClinVar (database versions not stated): ESP Exome Variant Server 0.00008.
gnomAD v4.1: 27 of 1,613,952 alleles (0.0017%); highest among the groups gnomAD compares: Middle Eastern, 0.066%; 1 homozygote.

Submissions (4):

Labcorp Genetics (formerly Invitae), Labcorp
Classification: Likely benign for Distal myopathy with posterior leg and anterior hand involvement; Myofibrillar myopathy 5; Hypertrophic cardiomyopathy 26. Last evaluated: 2026-01-30. Review status: criteria provided, single submitter. Criteria: Invitae Variant Classification Sherloc (09022015). Collection method: clinical testing. Allele origin: germline.

CeGaT Center for Human Genetics Tuebingen
Classification: Likely benign. Last evaluated: 2025-11-01. Review status: criteria provided, single submitter. Criteria: CeGaT Center For Human Genetics Tuebingen Variant Classification Criteria Version 2. Collection method: clinical testing. Allele origin: germline. Affected: yes. Observed: 1 variant allele.
Comment: FLNC: BP4, BP7

Ambry Genetics
Classification: Likely benign for Cardiovascular phenotype. Last evaluated: 2019-11-24. Review status: criteria provided, single submitter. Criteria: Ambry Variant Classification Scheme 2023. Collection method: clinical testing. Allele origin: germline.

PreventionGenetics, part of Exact Sciences
Classification: Likely benign for FLNC-related condition. Last evaluated: 2019-06-26. Review status: no assertion criteria provided. Collection method: clinical testing. Allele origin: germline. Not counted in ClinVar's aggregate classification.
Comment: This variant is classified as likely benign based on ACMG/AMP sequence variant interpretation guidelines (Richards et al. 2015 PMID: 25741868, with internal and published modifications).